The following is an entry in ClinVar:

NM_001312909.2(FAM111A):c.63C>T (p.Ile21=)

Gene: FAM111A (FAM111 trypsin like peptidase A; plus strand). Cytogenetic location: 11q12.1.
Variant type: single nucleotide variant.
Coding change: c.63C>T on transcript NM_001312909.2 (MANE Select); coding-DNA position 63, C replaced by T.
Protein change: p.Ile21=; no amino-acid change (isoleucine 21 retained).
Molecular consequence: synonymous variant.
Genome position (GRCh38, 1-based): chr11:59,148,935, C>T. VCF-style: chr11-59148935-C-T. GRCh37 (hg19) VCF-style: chr11-58916408-C-T.
Other names: c.63C>T, p.Ile21= (NM_001142519.3, NM_001142520.3, NM_001142521.3 and 29 more transcripts).
Identifiers: ClinVar variation 779147 (VCV000779147.12), dbSNP rs147786828, ClinGen allele CA6016477.

ClinVar aggregate classification (germline): Likely benign. Review status: criteria provided, multiple submitters, no conflicts (2 of 4 stars). 3 submissions from 3 submitters: Likely benign (2). 1 of the submissions does not count toward it. Last evaluated 2025-12-26.

Conditions:
FAM111A-related disorder. Also called: FAM111A-related condition.

Allele frequency attached by ClinVar (database versions not stated): ESP Exome Variant Server 0.00008; TOPMed 0.00033; 1000 Genomes Project 0.00060; 1000 Genomes Project 30x 0.00078.
gnomAD v4.1: 361 of 1,612,730 alleles (0.022%); highest among the groups gnomAD compares: Admixed American, 0.092%; no homozygotes.

Submissions (3):

Labcorp Genetics (formerly Invitae), Labcorp
Classification: Likely benign. Last evaluated: 2025-12-26. Review status: criteria provided, single submitter. Criteria: Invitae Variant Classification Sherloc (09022015). Collection method: clinical testing. Allele origin: germline.

Blueprint Genetics
Classification: Likely benign. Last evaluated: 2024-11-27. Review status: criteria provided, single submitter. Criteria: ACMG Guidelines, 2015. Collection method: clinical testing. Allele origin: germline.

PreventionGenetics, part of Exact Sciences
Classification: Benign for FAM111A-related condition. Last evaluated: 2019-06-18. Review status: no assertion criteria provided. Collection method: clinical testing. Allele origin: germline. Not counted in ClinVar's aggregate classification.
Comment: This variant is classified as benign based on ACMG/AMP sequence variant interpretation guidelines (Richards et al. 2015 PMID: 25741868, with internal and published modifications).